The following is an entry in ClinVar:

ClinVar aggregate classification (germline): Uncertain significance (1 of 4 stars; one submission).

Submission:

Women's Health and Genetics/Laboratory Corporation of America, LabCorp
Classification: Uncertain significance. Last evaluated: 2019-07-26. Review status: criteria provided, single submitter. Criteria: LabCorp Variant Classification Summary - May 2015. Collection method: clinical testing. Allele origin: germline.
Comment: Variant summary: NSDHL c.901T>A (p.Tyr301Asn) results in a non-conservative amino acid change in the encoded protein sequence. Five of five in-silico tools predict a damaging effect of the variant on protein function. The variant was absent in 183382 control chromosomes. The available data on variant occurrences in the general population are insufficient to allow any conclusion about variant significance. To our knowledge, no occurrence of c.901T>A in individuals affected with NSDHL-Related Disorder and no experimental evidence demonstrating its impact on protein function have been reported. No clinical diagnostic laboratories have submitted clinical-significance assessments for this variant to ClinVar after 2014. Based on the evidence outlined above, the variant was classified as uncertain significance.

NM_015922.3(NSDHL):c.901T>A (p.Tyr301Asn)

Gene: NSDHL (NAD(P) dependent steroid dehydrogenase-like; plus strand). Cytogenetic location: Xq28.
Variant type: single nucleotide variant.
Coding change: c.901T>A on transcript NM_015922.3 (MANE Select); coding-DNA position 901, T replaced by A.
Protein change: p.Tyr301Asn; replaces tyrosine 301 with asparagine.
Molecular consequence: missense variant.
Genome position (GRCh38, 1-based): chrX:152,868,895, T>A. VCF-style: chrX-152868895-T-A. GRCh37 (hg19) VCF-style: chrX-152037439-T-A.
Other names: c.901T>A, p.Tyr301Asn (NM_001129765.2); short protein forms Y301N.
Identifiers: ClinVar variation 928823 (VCV000928823.1), dbSNP rs144110486, ClinGen allele CA415287275.
Genomic context (GRCh38, chrX:152,868,895, plus strand): 5'-CGCATCCTGACAGGCCTCAATTATGAGGCCCCCAAGTACCACATCCCCTACTGGGTGGCC[T>A]ACTACCTGGCCCTCCTGCTATCCCTGCTGGTGATGGTGATCAGTCCTGTCATCCAGCTGC-3'
Protein context (NP_057006.1, residues 291-311): PKYHIPYWVA[Tyr301Asn]YLALLLSLLV